The following is an entry in ClinVar:

NM_001271696.3(ABCB7):c.1614T>C (p.Asp538=)

Gene: ABCB7 (ATP binding cassette subfamily B member 7; minus strand). Cytogenetic location: Xq13.3.
Variant type: single nucleotide variant.
Coding change: c.1614T>C on transcript NM_001271696.3 (MANE Select); coding-DNA position 1614, T replaced by C.
Protein change: p.Asp538=; no amino-acid change (aspartic acid 538 retained).
Molecular consequence: synonymous variant.
Genome position (GRCh38, 1-based): chrX:75,069,052, A>G on the plus strand (T>C on the coding strand, the complement: ABCB7 is on the minus strand). VCF-style: chrX-75069052-A-G. GRCh37 (hg19) VCF-style: chrX-74288887-A-G.
Other names: p.Asp539=; c.1494T>C, p.Asp498= (NM_001271697.3); c.1536T>C, p.Asp512= (NM_001271698.3); c.1497T>C, p.Asp499= (NM_001271699.3); c.1617T>C, p.Asp539= (NM_004299.6).
Identifiers: ClinVar variation 2870197 (VCV002870197.4), dbSNP rs776026399, ClinGen allele CA10455377.

ClinVar aggregate classification (germline): Benign/Likely benign. Review status: criteria provided, multiple submitters, no conflicts (2 of 4 stars). 2 submissions from 2 submitters: Benign (1); Likely benign (1). Last evaluated 2025-08-05.

Allele frequency attached by ClinVar (database versions not stated): ExAC 0.00001; gnomAD 0.00001; TOPMed 0.00002; gnomAD exomes 0.00003; 1000 Genomes Project 30x 0.00021; 1000 Genomes Project 0.00026.
gnomAD v4.1: 34 of 1,207,949 alleles (0.0028%); highest among the groups gnomAD compares: Non-Finnish European, 0.0036%; no homozygotes.

Submissions (2):

Mayo Clinic Laboratories, Mayo Clinic
Classification: Likely benign. Last evaluated: 2025-08-05. Review status: criteria provided, single submitter. Criteria: ACMG Guidelines, 2015. Collection method: clinical testing. Allele origin: germline. Observed: 1 variant allele.
Comment: BP4, BP7

Labcorp Genetics (formerly Invitae), Labcorp
Classification: Benign. Last evaluated: 2023-02-18. Review status: criteria provided, single submitter. Criteria: Invitae Variant Classification Sherloc (09022015). Collection method: clinical testing. Allele origin: germline.